The following is an entry in ClinVar:

ClinVar aggregate classification (germline): Uncertain significance (1 of 4 stars; one submission).

Submission:

CeGaT Center for Human Genetics Tuebingen
Classification: Uncertain significance. Last evaluated: 2026-07-01. Review status: criteria provided, single submitter. Criteria: CeGaT Center For Human Genetics Tuebingen Variant Classification Criteria Version 2. Collection method: clinical testing. Allele origin: germline. Affected: yes. Observed: 1 variant allele.
Comment: SYNE1: PM2

NM_182961.4(SYNE1):c.7238-3_7238-2del

Gene: SYNE1 (spectrin repeat containing nuclear envelope protein 1; minus strand). Cytogenetic location: 6q25.2.
Variant type: Deletion.
Coding change: c.7238-3_7238-2del on transcript NM_182961.4 (MANE Select); 3 bases into the intron before coding-DNA position 7238 through the canonical splice acceptor site of the intron before coding-DNA position 7238, 2 bases deleted (AA; older notation c.7238-3_7238-2delAA).
Molecular consequence: splice acceptor variant.
Genome position (GRCh38, 1-based): chr6:152,398,733-152,398,734, TT deleted on the plus strand (AA on the coding strand, the reverse complement: SYNE1 is on the minus strand); deleting any 2 consecutive bases within chr6:152,398,733-152,398,736 gives the same sequence; the c. name uses the placement nearest the transcript's 3' end. VCF-style (leftmost placement, unchanged base first): chr6-152398732-CTT-C. GRCh37 (hg19) VCF-style: chr6-152719867-CTT-C.
Other names: c.7259-3_7259-2del (NM_033071.5).
Identifiers: ClinVar variation 5040204 (VCV005040204.1).
Genomic context (GRCh38, chr6:152,398,732, plus strand): 5'-ATGATTCTTTTGCTGCTGCCTTTGCTCCCAAAAACCATTCTTGGAATTCCTGCATAGACT[CTT>C]TTGAAAGAAAAAATAAATAAATAAAAATAAAAAATCAGAAGCAAATCCAAAACATTGAAT-3'